The following is an entry in ClinVar:

NM_001379200.1(TBX1):c.305G>A (p.Cys102Tyr)

Gene: TBX1 (T-box transcription factor 1; plus strand). Cytogenetic location: 22q11.21.
Variant type: single nucleotide variant.
Coding change: c.305G>A on transcript NM_001379200.1 (MANE Select); coding-DNA position 305, G replaced by A.
Protein change: p.Cys102Tyr; replaces cysteine 102 with tyrosine.
Molecular consequence: missense variant.
Genome position (GRCh38, 1-based): chr22:19,761,148, G>A. VCF-style: chr22-19761148-G-A. GRCh37 (hg19) VCF-style: chr22-19748671-G-A.
Other names: c.278G>A, p.Cys93Tyr (NM_005992.1, NM_080646.2, NM_080647.1); short protein forms C102Y, C93Y.
Identifiers: ClinVar variation 1334718 (VCV001334718.6), dbSNP rs948722131, ClinGen allele CA322052095.

ClinVar aggregate classification (germline): Uncertain significance. Review status: criteria provided, multiple submitters, no conflicts (2 of 4 stars). 2 submissions from 2 submitters: Uncertain significance (2). Last evaluated 2024-12-18.

Conditions:
DiGeorge syndrome. Also called: THIRD AND FOURTH PHARYNGEAL POUCH SYNDROME; Catch22. Identifiers: Orphanet 567, MedGen C0012236, MONDO:0008564, OMIM 188400.

Allele frequency attached by ClinVar (database versions not stated): gnomAD exomes below 0.00001; TOPMed 0.00002; gnomAD 0.00003.

Submissions (2):

Labcorp Genetics (formerly Invitae), Labcorp
Classification: Uncertain significance for DiGeorge syndrome. Last evaluated: 2024-12-18. Review status: criteria provided, single submitter. Criteria: Invitae Variant Classification Sherloc (09022015). Collection method: clinical testing. Allele origin: germline.
Comment: This sequence change replaces cysteine, which is neutral and slightly polar, with tyrosine, which is neutral and polar, at codon 93 of the TBX1 protein (p.Cys93Tyr). This variant is not present in population databases (gnomAD no frequency). This variant has not been reported in the literature in individuals affected with TBX1-related conditions. ClinVar contains an entry for this variant (Variation ID: 1334718). Invitae Evidence Modeling of protein sequence and biophysical properties (such as structural, functional, and spatial information, amino acid conservation, physicochemical variation, residue mobility, and thermodynamic stability) indicates that this missense variant is not expected to disrupt TBX1 protein function with a negative predictive value of 80%. In summary, the available evidence is currently insufficient to determine the role of this variant in disease. Therefore, it has been classified as a Variant of Uncertain Significance.

Greenwood Genetic Center Diagnostic Laboratories, Greenwood Genetic Center
Classification: Uncertain significance. Last evaluated: 2021-12-23. Review status: criteria provided, single submitter. Criteria: ACMG Guidelines, 2015. Collection method: clinical testing. Allele origin: germline. Affected: yes.
Comment: BP4, PM2